The following is an entry in ClinVar:

ClinVar aggregate classification (germline): Pathogenic (1 of 4 stars; one submission).

Conditions:
Junctional epidermolysis bullosa. Identifiers: Orphanet 305, MedGen C0079301, MONDO:0017612.

Submission:

Myriad Genetics, Inc.
Classification: Pathogenic for Junctional epidermolysis bullosa. Last evaluated: 2023-09-27. Review status: criteria provided, single submitter. Criteria: Myriad Autosomal Dominant, Autosomal Recessive and X-Linked Classification Criteria (2023). Collection method: clinical testing. Allele origin: unknown.
Comment: NM_000228.2(LAMB3):c.1564dupC(R522Pfs*14) is expected to be pathogenic in the context of junctional epidermolysis bullosa, LAMB3-related. This variant is predicted to lead to an abnormal or absent protein product due to the creation of a premature termination codon in LAMB3, a gene where loss-of-function variants are known to be pathogenic. Please note: this variant was assessed in the context of healthy population screening.

NM_000228.3(LAMB3):c.1564dup (p.Arg522fs)

Gene: LAMB3 (laminin subunit beta 3; minus strand). Cytogenetic location: 1q32.2.
Variant type: Duplication.
Coding change: c.1564dup on transcript NM_000228.3 (MANE Select); coding-DNA position 1564, one base duplicated (C; older notation c.1564dupC).
Protein change: p.Arg522fs; shifts the reading frame from arginine 522.
Molecular consequence: frameshift variant.
Genome position (GRCh38, 1-based): chr1:209,626,900, G duplicated on the plus strand (C on the coding strand, the reverse complement: LAMB3 is on the minus strand); the first of 2 consecutive G bases (chr1:209,626,900-209,626,901); duplicating either gives the same sequence. VCF-style (leftmost placement, unchanged base first): chr1-209626899-C-CG. GRCh37 (hg19) VCF-style: chr1-209800244-C-CG.
Other names: c.1564dup, p.Arg522fs (NM_001017402.2, NM_001127641.1); short protein forms R522fs.
Identifiers: ClinVar variation 5012048 (VCV005012048.1).